The following is an entry in ClinVar:

ClinVar aggregate classification (germline): Conflicting classifications of pathogenicity. Review status: criteria provided, conflicting classifications (1 of 4 stars). 2 submissions from 2 submitters: Likely pathogenic (1); Uncertain significance (1). Last evaluated 2026-01-05.

Conditions:
Succinate-semialdehyde dehydrogenase deficiency (SSADHD). Also called: Succinic Semialdehyde Dehydrogenase Deficiency; SSADH DEFICIENCY; 4-HYDROXYBUTYRIC ACIDURIA; GABA METABOLIC DEFECT. Identifiers: Orphanet 22, MedGen C0268631, MONDO:0010083, OMIM 271980.

Allele frequency attached by ClinVar (database versions not stated): gnomAD exomes below 0.00001.
gnomAD v4.1: 3 of 1,614,090 alleles (0.00019%); highest among the groups gnomAD compares: Admixed American, 0.0017%; no homozygotes.

Submissions (2):

Labcorp Genetics (formerly Invitae), Labcorp
Classification: Uncertain significance for Succinate-semialdehyde dehydrogenase deficiency. Last evaluated: 2026-01-05. Review status: criteria provided, single submitter. Criteria: Invitae Variant Classification Sherloc (09022015). Collection method: clinical testing. Allele origin: germline.
Comment: This sequence change replaces threonine, which is neutral and polar, with alanine, which is neutral and non-polar, at codon 423 of the ALDH5A1 protein (p.Thr423Ala). This variant is not present in population databases (gnomAD no frequency). This variant has not been reported in the literature in individuals affected with ALDH5A1-related conditions. ClinVar contains an entry for this variant (Variation ID: 1878480). Invitae Evidence Modeling of protein sequence and biophysical properties (such as structural, functional, and spatial information, amino acid conservation, physicochemical variation, residue mobility, and thermodynamic stability) indicates that this missense variant is not expected to disrupt ALDH5A1 protein function with a negative predictive value of 80%. In summary, the available evidence is currently insufficient to determine the role of this variant in disease. Therefore, it has been classified as a Variant of Uncertain Significance.

Elsea Laboratory, Baylor College of Medicine
Classification: Likely pathogenic for Succinate-semialdehyde dehydrogenase deficiency. Last evaluated: 2021-03-08. Review status: criteria provided, single submitter. Criteria: Martin et al. (J Child Neurol. 2021). Collection method: curation. Allele origin: germline. Affected: yes.
Comment: catalytic domain

Literature cited by the submitters: PubMed 29895405 (cited by Elsea Laboratory, Baylor College of Medicine); PubMed 33203024 (cited by Elsea Laboratory, Baylor College of Medicine).

NM_001080.3(ALDH5A1):c.1267A>G (p.Thr423Ala)

Gene: ALDH5A1 (aldehyde dehydrogenase 5 family member A1; plus strand). Cytogenetic location: 6p22.3.
Variant type: single nucleotide variant.
Coding change: c.1267A>G on transcript NM_001080.3 (MANE Select); coding-DNA position 1267, A replaced by G.
Protein change: p.Thr423Ala; replaces threonine 423 with alanine.
Molecular consequence: missense variant.
Genome position (GRCh38, 1-based): chr6:24,528,090, A>G. VCF-style: chr6-24528090-A-G. GRCh37 (hg19) VCF-style: chr6-24528318-A-G.
Other names: c.1123A>G, p.Thr375Ala (NM_001368954.1); c.1306A>G, p.Thr436Ala (NM_170740.1); short protein forms T375A, T436A, T423A.
Identifiers: ClinVar variation 1878480 (VCV001878480.7), dbSNP rs1759856050, ClinGen allele CA362978548.